The following is an entry in ClinVar:

ClinVar aggregate classification (germline): Conflicting classifications of pathogenicity. Review status: criteria provided, conflicting classifications (1 of 4 stars). 7 submissions from 7 submitters: Likely pathogenic (2); Uncertain significance (4). 1 of the submissions does not count toward it. Last evaluated 2026-03-18.

Conditions:
Occult macular dystrophy (OCMD). Also called: OMD; OCCULT MACULAR DYSTROPHY, SUSCEPTIBILITY TO. Identifiers: Orphanet 247834, MedGen C3150833, MONDO:0013316, OMIM 613587, HP:0030636.
Retinitis pigmentosa 88. Identifiers: MedGen C5394208, MONDO:0032940, OMIM 618826.
Retinal disorder. Also called: Retinopathy; Retinopathies; Retinal Diseases; Retinal disorders. Identifiers: MedGen C0035309, MONDO:0005283, HP:0000488.
RP1L1-related disorder. Also called: RP1L1-related condition.
Retinal dystrophy. Also called: Inherited retinal dystrophy. Identifiers: Orphanet 71862, MedGen C0854723, MeSH D058499, MONDO:0019118, HP:0000556.

Submissions (7):

Genetics Laboratory, Great Ormond Street Hospital NHS Foundation Trust, North Thames Genomic Laboratory Hub
Classification: Uncertain significance for Retinal disorders. Last evaluated: 2026-03-18. Review status: criteria provided, single submitter. Criteria: ACGS Best Practice Guidelines for Variant Classification in Rare Disease 2024 v1.2. Collection method: clinical testing. Allele origin: germline. Affected: yes.
Comment: PM2_moderate, PM5_moderate

Bioscientia Institut fuer Medizinische Diagnostik GmbH, Sonic Healthcare
Classification: Likely pathogenic for Occult macular dystrophy; Retinitis pigmentosa 88. Last evaluated: 2025-04-17. Review status: criteria provided, single submitter. Criteria: ACMG Guidelines, 2015. Collection method: clinical testing. Allele origin: germline. Affected: yes.

Broad Center for Mendelian Genomics, Broad Institute of MIT and Harvard
Classification: Uncertain significance for Occult macular dystrophy. Last evaluated: 2024-05-13. Review status: criteria provided, single submitter. Criteria: ACMG Guidelines, 2015. Collection method: curation. Allele origin: germline. Inheritance: Autosomal dominant inheritance.
Comment: This variant was absent from large population studies. Computational prediction tools and conservation analyses do not provide strong support for or against an impact to the protein. This variant has been reported in ClinVar (Variation ID:866263) and has been interpreted as likely pathogenic and uncertain significance by Blueprint Genetics, GeneDx, and Muenster University Hospital. Two additional likely pathogenic variants, resulting in a different amino acid change at the same position, p.Ser1199Cys and p.Ser1199Pro, have been reported in association with disease in the literature, slightly supporting that a change at this position may not be tolerated (PMID: 24838559). In summary, the clinical significance of the p.Ser1199Ala variant is uncertain. ACMG/AMP Criteria applied: PM2_Supporting, PM5 (Richards 2015).

Blueprint Genetics
Classification: Likely pathogenic for RP1L1-related disorders. Last evaluated: 2022-03-23. Review status: criteria provided, single submitter. Criteria: ACMG Guidelines, 2015. Collection method: clinical testing. Allele origin: germline. Affected: yes. Observed: 3 variant alleles.

Centre of Medical Genetics, University Hospital Muenster
Classification: Uncertain significance. Last evaluated: 2021-12-01. Review status: criteria provided, single submitter. Criteria: ACMG Guidelines, 2015. Collection method: clinical testing. Allele origin: unknown. Affected: yes. Observed: 1 variant allele, 1 heterozygote.
Comment: ACMG categories: PM2,PP3

GeneDx
Classification: Uncertain significance. Last evaluated: 2019-12-23. Review status: criteria provided, single submitter. Criteria: GeneDx Variant Classification Process June 2021. Collection method: clinical testing. Allele origin: germline. Affected: yes.
Comment: Not observed in large population cohorts (Lek et al., 2016); In silico analysis, which includes protein predictors and evolutionary conservation, supports that this variant does not alter protein structure/function; Has not been previously published as pathogenic or benign to our knowledge

Institute of Human Genetics, Univ. Regensburg, Univ. Regensburg
Classification: Likely pathogenic for Retinal dystrophy. Last evaluated: 2021-01-01. Review status: no assertion criteria provided. Criteria: ACMG Guidelines, 2015. Collection method: clinical testing. Allele origin: germline. Affected: yes. Not counted in ClinVar's aggregate classification.

NM_178857.6(RP1L1):c.3595T>G (p.Ser1199Ala)

Gene: RP1L1 (RP1 like 1). Cytogenetic location: 8p23.1.
Variant type: single nucleotide variant.
Coding change: c.3595T>G on transcript NM_178857.6 (MANE Select); coding-DNA position 3595, T replaced by G.
Protein change: p.Ser1199Ala; replaces serine 1199 with alanine.
Molecular consequence: missense variant.
Genome position (GRCh38, 1-based): chr8:10,610,503, A>C on the plus strand (T>G on the coding strand, the complement: RP1L1 is on the minus strand). VCF-style: chr8-10610503-A-C. GRCh37 (hg19) VCF-style: chr8-10468013-A-C.
Other names: NM_178857.6(RP1L1):c.3595T>G; p.Ser1199Ala; short protein forms S1199A.
Identifiers: ClinVar variation 866263 (VCV000866263.12), dbSNP rs1797825562, ClinGen allele CA370288382.
Genomic context (GRCh38, chr8:10,610,503, plus strand): 5'-TGGCACAGGGTACGCTACTCTCCCCTGAGCCTCCAGAGCCGCTGCTGATGTCCACACCAG[A>C]GGAGGATGTGGGCGTGAAGTTCTCCGTCATGGCATGGGACCCAAGGTCTGGCAGAGCCTG-3'
Protein context (NP_849188.4, residues 1189-1209): MTENFTPTSS[Ser1199Ala]GVDISSGSGG